The following is an entry in ClinVar:

ClinVar aggregate classification (germline): Likely benign. Review status: criteria provided, multiple submitters, no conflicts (2 of 4 stars). 2 submissions from 2 submitters: Likely benign (2). Last evaluated 2025-12-02.

Conditions:
Neurofibromatosis, type 2 (SWNV). Also called: BILATERAL ACOUSTIC NEUROFIBROMATOSIS; SCHWANNOMATOSIS, VESTIBULAR; NF2-Related Schwannomatosis. Identifiers: Orphanet 637, MedGen C0027832, MONDO:0007039, OMIM 101000. Disease mechanism: loss of function.

Allele frequency attached by ClinVar (database versions not stated): ExAC 0.00001; gnomAD exomes 0.00001.
gnomAD v4.1: 12 of 1,614,114 alleles (0.00074%); highest among the groups gnomAD compares: East Asian, 0.027%; no homozygotes.

Submissions (2):

Labcorp Genetics (formerly Invitae), Labcorp
Classification: Likely benign for Neurofibromatosis, type 2. Last evaluated: 2025-12-02. Review status: criteria provided, single submitter. Criteria: Invitae Variant Classification Sherloc (09022015). Collection method: clinical testing. Allele origin: germline.

All of Us Research Program, National Institutes of Health
Classification: Likely benign for Neurofibromatosis, type 2. Last evaluated: 2024-06-09. Review status: criteria provided, single submitter. Criteria: ACMG Guidelines, 2015. Collection method: clinical testing. Allele origin: germline. Inheritance: Autosomal dominant inheritance. Observed: 1 variant allele, 1 heterozygote.
Comment: This study involves interpretation of variants in research participants for the purpose of population health screening. Participant phenotype was not available at the time of variant classification. Additional details can be found in publication PMID: 35346344, PMCID: PMC8962531

NM_000268.4(NF2):c.115-15G>T

Gene: NF2 (NF2, moesin-ezrin-radixin like (MERLIN) tumor suppressor; plus strand). Cytogenetic location: 22q12.2.
Variant type: single nucleotide variant.
Coding change: c.115-15G>T on transcript NM_000268.4 (MANE Select); 15 bases into the intron before coding-DNA position 115, G replaced by T.
Molecular consequence: intron variant.
Genome position (GRCh38, 1-based): chr22:29,636,736, G>T. VCF-style: chr22-29636736-G-T. GRCh37 (hg19) VCF-style: chr22-30032725-G-T.
Other names: c.115-15G>T (NM_016418.5, NM_181832.3, NM_181833.3 and 2 more transcripts); c.115-2354G>T (NM_181828.3); c.115-5466G>T (NM_181830.3, NM_181831.3).
Identifiers: ClinVar variation 1562785 (VCV001562785.9), dbSNP rs748169607, ClinGen allele CA031186.